The following is an entry in ClinVar:

NM_000152.5(GAA):c.2454C>A (p.Leu818=)

Gene: GAA (alpha glucosidase; plus strand). Cytogenetic location: 17q25.3.
Variant type: single nucleotide variant.
Coding change: c.2454C>A on transcript NM_000152.5 (MANE Select); coding-DNA position 2454, C replaced by A.
Protein change: p.Leu818=; no amino-acid change (leucine 818 retained).
Molecular consequence: synonymous variant.
Genome position (GRCh38, 1-based): chr17:80,117,722, C>A. VCF-style: chr17-80117722-C-A. GRCh37 (hg19) VCF-style: chr17-78091521-C-A.
Other names: c.2454C>A, p.Leu818= (NM_001079803.3, NM_001079804.3, NM_001406741.1 and 1 more transcripts).
Identifiers: ClinVar variation 5002248 (VCV005002248.1).

ClinVar aggregate classification (germline): Likely benign (1 of 4 stars; one submission).

Conditions:
GAA-related disorder. Also called: GAA-related condition.

Submission:

PreventionGenetics, part of Exact Sciences
Classification: Likely benign for GAA-related condition. Last evaluated: 2025-05-23. Review status: criteria provided, single submitter. Criteria: ACMG Guidelines, 2015. Collection method: clinical testing. Allele origin: germline.
Comment: This variant is classified as likely benign based on ACMG/AMP sequence variant interpretation guidelines (Richards et al. 2015 PMID: 25741868, with internal and published modifications).